The following is an entry in ClinVar:

NM_006218.4(PIK3CA):c.688C>G (p.Arg230Gly)

Gene: PIK3CA (phosphatidylinositol-4,5-bisphosphate 3-kinase catalytic subunit alpha; plus strand). Cytogenetic location: 3q26.32.
Variant type: single nucleotide variant.
Coding change: c.688C>G on transcript NM_006218.4 (MANE Select); coding-DNA position 688, C replaced by G.
Protein change: p.Arg230Gly; replaces arginine 230 with glycine.
Molecular consequence: missense variant.
Genome position (GRCh38, 1-based): chr3:179,201,415, C>G. VCF-style: chr3-179201415-C-G. GRCh37 (hg19) VCF-style: chr3-178919203-C-G.
Other names: short protein forms R230G.
Identifiers: ClinVar variation 3225375 (VCV003225375.1), dbSNP rs1482313267, ClinGen allele CA355277103.
Genomic context (GRCh38, chr3:179,201,415, plus strand): 5'-AAAATCAACCATGACTGTGTACCAGAACAAGTAATTGCTGAAGCAATCAGGAAAAAAACT[C>G]GAAGTATGTTGCTATCCTCTGAACAACTAAAACTCTGTGTTTTAGAATATCAGGGCAAGT-3'
Protein context (NP_006209.2, residues 220-240): VIAEAIRKKT[Arg230Gly]SMLLSSEQLK

ClinVar aggregate classification (germline): Uncertain significance (1 of 4 stars; one submission).

Conditions:
Inborn genetic diseases. Identifiers: MedGen C0950123, MeSH D030342.

Allele frequency attached by ClinVar (database versions not stated): gnomAD exomes below 0.00001.
gnomAD v4.1: 1 of 1,613,712 alleles (0.000062%); highest among the groups gnomAD compares: Admixed American, 0.0017%; no homozygotes.

Submission:

Ambry Genetics
Classification: Uncertain significance for Inborn genetic diseases. Last evaluated: 2024-03-06. Review status: criteria provided, single submitter. Criteria: Ambry Variant Classification Scheme 2023. Collection method: clinical testing. Allele origin: germline.
Comment: The p.R230G variant (also known as c.688C>G), located in coding exon 3 of the PIK3CA gene, results from a C to G substitution at nucleotide position 688. The arginine at codon 230 is replaced by glycine, an amino acid with dissimilar properties. This amino acid position is conserved. In addition, the in silico prediction for this alteration is inconclusive. Based on the available evidence, the clinical significance of this alteration remains unclear.